The following is an entry in ClinVar:

ClinVar aggregate classification (germline): Conflicting classifications of pathogenicity. Review status: criteria provided, conflicting classifications (1 of 4 stars). 2 submissions from 2 submitters: Uncertain significance (1); Likely benign (1). Last evaluated 2025-05-24.

Conditions:
Gingival disorder. Also called: Gingival disease. Identifiers: MedGen C0017563, MONDO:0002021.

Allele frequency attached by ClinVar (database versions not stated): ESP Exome Variant Server 0.00008; gnomAD exomes 0.00010; 1000 Genomes Project 30x 0.00016; 1000 Genomes Project 0.00020; TOPMed 0.00004; ExAC 0.00007; gnomAD 0.00007.
gnomAD v4.1: 103 of 1,614,130 alleles (0.0064%); highest among the groups gnomAD compares: Admixed American, 0.01%; no homozygotes.

Submissions (2):

Labcorp Genetics (formerly Invitae), Labcorp
Classification: Uncertain significance for Gingival disorder. Last evaluated: 2025-05-24. Review status: criteria provided, single submitter. Criteria: Invitae Variant Classification Sherloc (09022015). Collection method: clinical testing. Allele origin: germline.
Comment: This sequence change replaces threonine, which is neutral and polar, with methionine, which is neutral and non-polar, at codon 171 of the FPR1 protein (p.Thr171Met). This variant is present in population databases (rs201110935, gnomAD 0.01%). This variant has not been reported in the literature in individuals affected with FPR1-related conditions. ClinVar contains an entry for this variant (Variation ID: 1387279). An algorithm developed to predict the effect of missense changes on protein structure and function outputs the following: PolyPhen-2: "Possibly Damaging". The methionine amino acid residue is found in multiple mammalian species, which suggests that this missense change does not adversely affect protein function. In summary, the available evidence is currently insufficient to determine the role of this variant in disease. Therefore, it has been classified as a Variant of Uncertain Significance.

Ambry Genetics
Classification: Likely benign. Last evaluated: 2021-08-10. Review status: criteria provided, single submitter. Criteria: Ambry Variant Classification Scheme 2023. Collection method: clinical testing. Allele origin: germline.

NM_002029.4(FPR1):c.512C>T (p.Thr171Met)

Gene: FPR1 (formyl peptide receptor 1; minus strand). Cytogenetic location: 19q13.41.
Variant type: single nucleotide variant.
Coding change: c.512C>T on transcript NM_002029.4 (MANE Select); coding-DNA position 512, C replaced by T.
Protein change: p.Thr171Met; replaces threonine 171 with methionine.
Molecular consequence: missense variant.
Genome position (GRCh38, 1-based): chr19:51,746,483, G>A on the plus strand (C>T on the coding strand, the complement: FPR1 is on the minus strand). VCF-style: chr19-51746483-G-A. GRCh37 (hg19) VCF-style: chr19-52249736-G-A.
Other names: c.512C>T, p.Thr171Met (NM_001193306.2); c.512C>T (NM_002029.3); short protein forms T171M.
Identifiers: ClinVar variation 1387279 (VCV001387279.9), dbSNP rs201110935, ClinGen allele CA9616449.